The following is an entry in ClinVar:

ClinVar aggregate classification (germline): Uncertain significance. Review status: criteria provided, multiple submitters, no conflicts (2 of 4 stars). 4 submissions from 4 submitters: Uncertain significance (4). Last evaluated 2024-03-08.

Conditions:
Charcot-Marie-Tooth disease type 2. Also called: Charcot-Marie-Tooth type 2. Identifiers: Orphanet 64746, MedGen C0270914, MONDO:0018993.
Charcot-Marie-Tooth disease axonal type 2N (CMT2N). Also called: CHARCOT-MARIE-TOOTH DISEASE, AXONAL, AUTOSOMAL DOMINANT, TYPE 2N; CHARCOT-MARIE-TOOTH NEUROPATHY, AXONAL, TYPE 2N; Charcot-Marie-Tooth Neuropathy Type 2N. Identifiers: Orphanet 228174, MedGen C2750090, MONDO:0013212, OMIM 613287.
Inborn genetic diseases. Identifiers: MedGen C0950123, MeSH D030342.

Allele frequency attached by ClinVar (database versions not stated): ExAC 0.00001; gnomAD 0.00002; TOPMed 0.00001; gnomAD exomes 0.00002; ESP Exome Variant Server 0.00008.

Submissions (4):

Labcorp Genetics (formerly Invitae), Labcorp
Classification: Uncertain significance for Charcot-Marie-Tooth disease type 2. Last evaluated: 2024-03-08. Review status: criteria provided, single submitter. Criteria: Invitae Variant Classification Sherloc (09022015). Collection method: clinical testing. Allele origin: germline.
Comment: This sequence change replaces alanine, which is neutral and non-polar, with threonine, which is neutral and polar, at codon 866 of the AARS protein (p.Ala866Thr). This variant is present in population databases (rs374478964, gnomAD 0.01%). This variant has not been reported in the literature in individuals affected with AARS-related conditions. ClinVar contains an entry for this variant (Variation ID: 320327). Advanced modeling of protein sequence and biophysical properties (such as structural, functional, and spatial information, amino acid conservation, physicochemical variation, residue mobility, and thermodynamic stability) performed at Invitae indicates that this missense variant is not expected to disrupt AARS protein function with a negative predictive value of 95%. In summary, the available evidence is currently insufficient to determine the role of this variant in disease. Therefore, it has been classified as a Variant of Uncertain Significance.

Ambry Genetics
Classification: Uncertain significance for Inborn genetic diseases. Last evaluated: 2024-02-27. Review status: criteria provided, single submitter. Criteria: Ambry Variant Classification Scheme 2023. Collection method: clinical testing. Allele origin: germline.

GeneDx
Classification: Uncertain significance. Last evaluated: 2019-10-25. Review status: criteria provided, single submitter. Criteria: GeneDx Variant Classification Process June 2021. Collection method: clinical testing. Allele origin: germline. Affected: yes.
Comment: Not observed at a significant frequency in large population cohorts (Lek et al., 2016); Has not been previously published as pathogenic or benign to our knowledge; In silico analysis, which includes protein predictors and evolutionary conservation, supports that this variant does not alter protein structure/function; In-silico analysis, which includes splice predictors and evolutionary conservation, is inconclusive as to whether the variant alters gene splicing. In the absence of RNA/functional studies, the actual effect of this sequence change is unknown

Illumina Laboratory Services, Illumina
Classification: Uncertain significance for Charcot-Marie-Tooth disease axonal type 2N. Last evaluated: 2018-01-13. Review status: criteria provided, single submitter. Criteria: ICSL Variant Classification Criteria 13 December 2019. Collection method: clinical testing. Allele origin: germline.

NM_001605.3(AARS1):c.2596G>A (p.Ala866Thr)

Gene: AARS1 (alanyl-tRNA synthetase 1; minus strand). Cytogenetic location: 16q22.1.
Variant type: single nucleotide variant.
Coding change: c.2596G>A on transcript NM_001605.3 (MANE Select); coding-DNA position 2596, G replaced by A.
Protein change: p.Ala866Thr; replaces alanine 866 with threonine.
Molecular consequence: missense variant.
Genome position (GRCh38, 1-based): chr16:70,253,725, C>T on the plus strand (G>A on the coding strand, the complement: AARS1 is on the minus strand). VCF-style: chr16-70253725-C-T. GRCh37 (hg19) VCF-style: chr16-70287628-C-T.
Other names: short protein forms A866T.
Identifiers: ClinVar variation 320327 (VCV000320327.12), dbSNP rs374478964, ClinGen allele CA8140357.